The following is an entry in ClinVar:

ClinVar aggregate classification (germline): Likely pathogenic (1 of 4 stars; one submission).

Conditions:
Basal cell nevus syndrome 1 (BCNS1). Also called: GORLIN-GOLTZ SYNDROME; MULTIPLE BASAL CELL NEVI, ODONTOGENIC KERATOCYSTS, AND SKELETAL ANOMALIES. Identifiers: MedGen CN376810, MONDO:0958174, OMIM 109400.
Holoprosencephaly 7 (HPE7). Identifiers: Orphanet 2162, MedGen C1835820, MONDO:0012562, OMIM 610828.

Submission:

Genomics, Clalit Research Institute, Clalit Health Care
Classification: Likely pathogenic for Holoprosencephaly 7; Basal cell nevus syndrome 1. Last evaluated: 2023-12-03. Review status: criteria provided, single submitter. Criteria: ACMG Guidelines, 2015. Collection method: clinical testing. Allele origin: unknown. Inheritance: Autosomal dominant inheritance. Affected: yes.
Comment: Inheritance: The variant was identified in the Heterozygous state in the sample. Frequency: The variant is absent from the gnomAD reference population dataset. Variant type: Null variant (frameshift indel) in a gene where LOF is a known mechanism of disease. Predicted to undergo NMD. Clinical evidence: To date, the variant has not been described by reputable sources or in the primary literature. Note: The connection between PTCH1 and Nevoid basal cell carcinoma syndrome has been previously described in the literature by numerous publications; see, for example, PMID: 15545745 PMID: 25188659 PMID: 30754660.

Literature cited by the submitters: PubMed 15545745; PubMed 25188659; PubMed 30754660.

NM_000264.5(PTCH1):c.1948_1949insAT (p.Phe650fs)

Genes: PTCH1 (patched 1; minus strand), LOC100507346 (uncharacterized LOC100507346; plus strand). Cytogenetic location: 9q22.32.
Variant type: Insertion.
Coding change: c.1948_1949insAT on transcript NM_000264.5 (MANE Select); coding-DNA positions 1948 to 1949, AT inserted.
Protein change: p.Phe650fs; shifts the reading frame from phenylalanine 650.
Molecular consequence: frameshift variant. On other transcripts: non-coding transcript variant (2).
Genome position: GRCh38 VCF-style: chr9-95469052-A-AAT. GRCh37 (hg19) VCF-style: chr9-98231334-A-AAT.
Other names: c.1750_1751insAT, p.Phe584fs (NM_001083602.3); c.1945_1946insAT, p.Phe649fs (NM_001083603.3); c.1495_1496insAT, p.Phe499fs (NM_001083604.3, NM_001083605.3, NM_001083606.3 and 1 more transcripts); c.1792_1793insAT, p.Phe598fs (NM_001354918.2); short protein forms F499fs, F584fs, F598fs, F649fs, F650fs.
Identifiers: ClinVar variation 3747861 (VCV003747861.2).
Genomic context (GRCh38, chr9:95,469,052, plus strand): 5'-GGGTCGTACTCCGTGCGGAGCTGGACAGTGGACTGCATGGTAATCTGCGTTTCATGGGCA[A>AAT]AGCTGTGGCTGCTGTAGGGAGGTGGGGGGCTGTAGCGGGTATTGTCGTGTGTGTCGGTGT-3'